The following is an entry in ClinVar:

ClinVar aggregate classification (germline): Uncertain significance (1 of 4 stars; one submission).

Submission:

Labcorp Genetics (formerly Invitae), Labcorp
Classification: Uncertain significance. Last evaluated: 2024-11-11. Review status: criteria provided, single submitter. Criteria: Invitae Variant Classification Sherloc (09022015). Collection method: clinical testing. Allele origin: germline.
Comment: This sequence change replaces alanine, which is neutral and non-polar, with glutamic acid, which is acidic and polar, at codon 123 of the TBX18 protein (p.Ala123Glu). This variant is not present in population databases (gnomAD no frequency). This variant has not been reported in the literature in individuals affected with TBX18-related conditions. ClinVar contains an entry for this variant (Variation ID: 2103228). An algorithm developed to predict the effect of missense changes on protein structure and function (PolyPhen-2) suggests that this variant is likely to be tolerated. In summary, the available evidence is currently insufficient to determine the role of this variant in disease. Therefore, it has been classified as a Variant of Uncertain Significance.

NM_001080508.3(TBX18):c.368C>A (p.Ala123Glu)

Gene: TBX18 (T-box transcription factor 18; minus strand). Cytogenetic location: 6q14.3.
Variant type: single nucleotide variant.
Coding change: c.368C>A on transcript NM_001080508.3 (MANE Select); coding-DNA position 368, C replaced by A.
Protein change: p.Ala123Glu; replaces alanine 123 with glutamic acid.
Molecular consequence: missense variant.
Genome position (GRCh38, 1-based): chr6:84,762,673, G>T on the plus strand (C>A on the coding strand, the complement: TBX18 is on the minus strand). VCF-style: chr6-84762673-G-T. GRCh37 (hg19) VCF-style: chr6-85472391-G-T.
Other names: short protein forms A123E.
Identifiers: ClinVar variation 2103228 (VCV002103228.4), dbSNP rs2481867926, ClinGen allele CA364892092.